The following is an entry in ClinVar:

NM_033022.4(RPS24):c.278G>A (p.Arg93Lys)

Gene: RPS24 (ribosomal protein S24; plus strand). Cytogenetic location: 10q22.3.
Variant type: single nucleotide variant.
Coding change: c.278G>A on transcript NM_033022.4 (MANE Select); coding-DNA position 278, G replaced by A.
Protein change: p.Arg93Lys; replaces arginine 93 with lysine.
Molecular consequence: missense variant.
Genome position (GRCh38, 1-based): chr10:78,035,719, G>A. VCF-style: chr10-78035719-G-A. GRCh37 (hg19) VCF-style: chr10-79795477-G-A.
Other names: c.278G>A, p.Arg93Lys (NM_001026.5, NM_001142282.2, NM_001142283.2 and 2 more transcripts); short protein forms R93K.
Identifiers: ClinVar variation 2045155 (VCV002045155.4), dbSNP rs2493281946, ClinGen allele CA377329488.
Genomic context (GRCh38, chr10:78,035,719, plus strand): 5'-GCATGATTTATGATTCCCTGGATTATGCAAAGAAAAATGAACCCAAACATAGACTTGCAA[G>A]AGTAGGTGTCTTTTCATTTGTTGATCAGCTCCTGAAGACCTATTTTTTCAATAGCGTTGT-3'
Protein context (NP_148982.1, residues 83-103): KKNEPKHRLA[Arg93Lys]HGLYEKKKTS

ClinVar aggregate classification (germline): Uncertain significance (1 of 4 stars; one submission).

Conditions:
Diamond-Blackfan anemia. Also called: Blackfan Diamond syndrome; Aregenerative anemia chronic congenital; Red cell aplasia, pure hereditary; Congenital hypoplastic anemia; Aase syndrome. Identifiers: Orphanet 124, MedGen C1260899, MeSH D029503, MONDO:0015253, HP:0004810.

Submission:

Labcorp Genetics (formerly Invitae), Labcorp
Classification: Uncertain significance for Diamond-Blackfan anemia. Last evaluated: 2021-12-17. Review status: criteria provided, single submitter. Criteria: Invitae Variant Classification Sherloc (09022015). Collection method: clinical testing. Allele origin: germline.
Comment: In summary, the available evidence is currently insufficient to determine the role of this variant in disease. Therefore, it has been classified as a Variant of Uncertain Significance. Algorithms developed to predict the effect of missense changes on protein structure and function are either unavailable or do not agree on the potential impact of this missense change (SIFT: "Deleterious"; PolyPhen-2: "Benign"; Align-GVGD: "Class C25"). This variant has not been reported in the literature in individuals affected with RPS24-related conditions. This variant is not present in population databases (gnomAD no frequency). This sequence change replaces arginine, which is basic and polar, with lysine, which is basic and polar, at codon 93 of the RPS24 protein (p.Arg93Lys).